The following is an entry in ClinVar:

ClinVar aggregate classification (germline): Uncertain significance (1 of 4 stars; one submission).

Conditions:
Familial thoracic aortic aneurysm and aortic dissection (TAAD). Also called: Thoracic aortic aneurysms and dissections. Identifiers: Orphanet 91387, MedGen C4707243, MONDO:0019625.

Submission:

Color Diagnostics, LLC DBA Color Health
Classification: Uncertain significance for Familial thoracic aortic aneurysm and aortic dissection. Last evaluated: 2024-03-06. Review status: criteria provided, single submitter. Criteria: ACMG Guidelines, 2015. Collection method: clinical testing. Allele origin: germline.
Comment: This missense variant replaces aspartic acid with asparagine at codon 2852 of the FBN1 protein. Computational prediction suggests that this variant may not impact protein structure and function (internally defined REVEL score threshold <= 0.5, PMID: 27666373). To our knowledge, functional studies have not been reported for this variant. This variant has not been reported in individuals affected with cardiovascular disorders in the literature. This variant has not been identified in the general population by the Genome Aggregation Database (gnomAD). The available evidence is insufficient to determine the role of this variant in disease conclusively. Therefore, this variant is classified as a Variant of Uncertain Significance.

NM_000138.5(FBN1):c.8554G>A (p.Asp2852Asn)

Gene: FBN1 (fibrillin 1; minus strand). Cytogenetic location: 15q21.1.
Variant type: single nucleotide variant.
Coding change: c.8554G>A on transcript NM_000138.5 (MANE Select); coding-DNA position 8554, G replaced by A.
Protein change: p.Asp2852Asn; replaces aspartic acid 2852 with asparagine.
Molecular consequence: missense variant.
Genome position (GRCh38, 1-based): chr15:48,411,052, C>T on the plus strand (G>A on the coding strand, the complement: FBN1 is on the minus strand). VCF-style: chr15-48411052-C-T. GRCh37 (hg19) VCF-style: chr15-48703249-C-T.
Other names: short protein forms D2852N.
Identifiers: ClinVar variation 1171424 (VCV001171424.3), dbSNP rs2141209534, ClinGen allele CA392318541.